The following is an entry in ClinVar:

ClinVar aggregate classification (germline): Benign (1 of 4 stars; one submission).

Conditions:
MELAS syndrome (MELAS). Also called: Juvenile myopathy, encephalopathy, lactic acidosis, stroke. Identifiers: Orphanet 550, MedGen C0162671, MONDO:0010789, OMIM 540000.

Submission:

Wong Mito Lab, Molecular and Human Genetics, Baylor College of Medicine
Classification: Benign for MELAS syndrome. Last evaluated: 2019-07-12. Review status: criteria provided, single submitter. Criteria: Modified ACMG Guidelines (Unpublished). Collection method: clinical testing. Allele origin: germline.
Comment: The NC_012920.1:m.5527A>G variant in MT-TW gene is interpreted to be a Benign variant based on the modified ACMG guidelines (unpublished). This variant meets the following evidence codes reported in the guidelines: BS1, BS2, BP4

Literature cited by the submitters: PubMed 31965079.

NC_012920.1(MT-TW):m.5527A>G

Gene: MT-TW (mitochondrially encoded tRNA tryptophan; plus strand).
Variant type: single nucleotide variant.
Genome position: chrM-5527-A-G.
Identifiers: ClinVar variation 689926 (VCV000689926.1), dbSNP rs1603220005, ClinGen allele CA913179755.